The following is an entry in ClinVar:

ClinVar aggregate classification (germline): Uncertain significance. Review status: criteria provided, multiple submitters, no conflicts (2 of 4 stars). 3 submissions from 3 submitters: Uncertain significance (3). Last evaluated 2025-05-17.

Conditions:
Hereditary cancer-predisposing syndrome. Also called: Tumor predisposition; Hereditary neoplastic syndrome; Hereditary Cancer Syndrome; Neoplastic Syndromes, Hereditary. Identifiers: Orphanet 140162, MedGen C0027672, MeSH D009386, MONDO:0015356.
Familial cancer of breast. Also called: hereditary breast carcinoma; Hereditary breast cancer; BREAST CANCER, FAMILIAL. Identifiers: Orphanet 227535, MedGen C0346153, MONDO:0016419, OMIM 114480. Disease mechanism: loss of function.

Allele frequency attached by ClinVar (database versions not stated): gnomAD exomes below 0.00001.
gnomAD v4.1: 1 of 1,614,108 alleles (0.000062%); highest among the groups gnomAD compares: Non-Finnish European, 0.000085%; no homozygotes.

Submissions (3):

Ambry Genetics
Classification: Uncertain significance for Hereditary cancer-predisposing syndrome. Last evaluated: 2025-05-17. Review status: criteria provided, single submitter. Criteria: Ambry Variant Classification Scheme 2023. Collection method: clinical testing. Allele origin: germline.
Comment: The p.N302Y variant (also known as c.904A>T), located in coding exon 4 of the PALB2 gene, results from an A to T substitution at nucleotide position 904. The asparagine at codon 302 is replaced by tyrosine, an amino acid with dissimilar properties. This amino acid position is conserved. In addition, this alteration is predicted to be tolerated by in silico analysis. Based on the available evidence, the clinical significance of this variant remains unclear.

Color Diagnostics, LLC DBA Color Health
Classification: Uncertain significance for Hereditary cancer-predisposing syndrome. Last evaluated: 2024-03-06. Review status: criteria provided, single submitter. Criteria: ACMG Guidelines, 2015. Collection method: clinical testing. Allele origin: germline.
Comment: This missense variant replaces asparagine with tyrosine at codon 302 of the PALB2 protein. Computational prediction suggests that this variant may not impact protein structure and function (internally defined REVEL score threshold <= 0.5, PMID: 27666373). To our knowledge, functional studies have not been reported for this variant. This variant has not been reported in individuals affected with hereditary cancer in the literature. This variant has not been identified in the general population by the Genome Aggregation Database (gnomAD). The available evidence is insufficient to determine the role of this variant in disease conclusively. Therefore, this variant is classified as a Variant of Uncertain Significance.

Labcorp Genetics (formerly Invitae), Labcorp
Classification: Uncertain significance for Familial cancer of breast. Last evaluated: 2021-08-06. Review status: criteria provided, single submitter. Criteria: Invitae Variant Classification Sherloc (09022015). Collection method: clinical testing. Allele origin: germline.
Comment: ClinVar contains an entry for this variant (Variation ID: 1171627). This sequence change replaces asparagine with tyrosine at codon 302 of the PALB2 protein (p.Asn302Tyr). The asparagine residue is moderately conserved and there is a large physicochemical difference between asparagine and tyrosine. This variant is not present in population databases (ExAC no frequency). This variant has not been reported in the literature in individuals affected with PALB2-related conditions. Algorithms developed to predict the effect of missense changes on protein structure and function are either unavailable or do not agree on the potential impact of this missense change (SIFT: "Deleterious"; PolyPhen-2: "Benign"; Align-GVGD: "Class C0"). In summary, the available evidence is currently insufficient to determine the role of this variant in disease. Therefore, it has been classified as a Variant of Uncertain Significance.

NM_024675.4(PALB2):c.904A>T (p.Asn302Tyr)

Gene: PALB2 (partner and localizer of BRCA2; minus strand). Cytogenetic location: 16p12.2.
Variant type: single nucleotide variant.
Coding change: c.904A>T on transcript NM_024675.4 (MANE Select); coding-DNA position 904, A replaced by T.
Protein change: p.Asn302Tyr; replaces asparagine 302 with tyrosine.
Molecular consequence: missense variant.
Genome position (GRCh38, 1-based): chr16:23,635,642, T>A on the plus strand (A>T on the coding strand, the complement: PALB2 is on the minus strand). VCF-style: chr16-23635642-T-A. GRCh37 (hg19) VCF-style: chr16-23646963-T-A.
Other names: short protein forms N302Y.
Identifiers: ClinVar variation 1171627 (VCV001171627.11), dbSNP rs2142431479, ClinGen allele CA395135513.
Genomic context (GRCh38, chr16:23,635,642, plus strand): 5'-CTAAATTAGAACTTGTGGGCAGTTGGCCACTTTTACTTATAGCTTTATTTACAAGGAGGT[T>A]ATCTGTAGAGACAGTCATTTTTTTGCCTTGTGCCTCCAAACTTACAGGTGAAGTAAATCT-3'
Protein context (NP_078951.2, residues 292-312): QGKKMTVSTD[Asn302Tyr]LLVNKAISKS